The following is an entry in ClinVar:

ClinVar aggregate classification (germline): Uncertain significance (1 of 4 stars; one submission).

Conditions:
Nephronophthisis 14 (NPHP14). Identifiers: Orphanet 2318, MedGen C3539071, MONDO:0013916, OMIM 614844.

Allele frequency attached by ClinVar (database versions not stated): gnomAD exomes below 0.00001; ExAC 0.00001; TOPMed 0.00001.
gnomAD v4.1: 2 of 1,614,010 alleles (0.00012%); highest among the groups gnomAD compares: Non-Finnish European, 0.00017%; no homozygotes.

Submission:

Labcorp Genetics (formerly Invitae), Labcorp
Classification: Uncertain significance for Nephronophthisis 14. Last evaluated: 2022-06-13. Review status: criteria provided, single submitter. Criteria: Invitae Variant Classification Sherloc (09022015). Collection method: clinical testing. Allele origin: germline.
Comment: In summary, the available evidence is currently insufficient to determine the role of this variant in disease. Therefore, it has been classified as a Variant of Uncertain Significance. Algorithms developed to predict the effect of missense changes on protein structure and function are either unavailable or do not agree on the potential impact of this missense change (SIFT: "Deleterious"; PolyPhen-2: "Probably Damaging"; Align-GVGD: "Class C0"). ClinVar contains an entry for this variant (Variation ID: 1016552). This variant has not been reported in the literature in individuals affected with ZNF423-related conditions. This variant is present in population databases (rs745794633, gnomAD 0.0009%). This sequence change replaces cysteine, which is neutral and slightly polar, with serine, which is neutral and polar, at codon 541 of the ZNF423 protein (p.Cys541Ser).

NM_001379286.1(ZNF423):c.1646G>C (p.Cys549Ser)

Gene: ZNF423 (zinc finger protein 423; minus strand). Cytogenetic location: 16q12.1.
Variant type: single nucleotide variant.
Coding change: c.1646G>C on transcript NM_001379286.1 (MANE Select); coding-DNA position 1646, G replaced by C.
Protein change: p.Cys549Ser; replaces cysteine 549 with serine.
Molecular consequence: missense variant.
Genome position (GRCh38, 1-based): chr16:49,637,530, C>G on the plus strand (G>C on the coding strand, the complement: ZNF423 is on the minus strand). VCF-style: chr16-49637530-C-G. GRCh37 (hg19) VCF-style: chr16-49671441-C-G.
Other names: c.1442G>C, p.Cys481Ser (NM_001271620.2); c.1271G>C, p.Cys424Ser (NM_001330533.2); c.1622G>C, p.Cys541Ser (NM_015069.5); short protein forms C424S, C481S, C541S, C549S.
Identifiers: ClinVar variation 1016552 (VCV001016552.8), dbSNP rs745794633, ClinGen allele CA8046647.
Genomic context (GRCh38, chr16:49,637,530, plus strand): 5'-TCCATGAAGGACTGCGTGGGCTGCACCACCGGAGACTCTAGTTTGGCACTGCCCACACTG[C>G]AGTGGGCCTGCTGGATGTGCTCGGTGAGGGAGGACTCAGTAAGGAAACCCATGGAGCACT-3'
Protein context (NP_001366215.1, residues 539-559): SLTEHIQQAH[Cys549Ser]SVGSAKLESP